The following is an entry in ClinVar:

ClinVar aggregate classification (germline): Uncertain significance (1 of 4 stars; one submission).

Conditions:
Glycogen storage disease, type II (IOPD). Also called: Pompe Disease; CARDIOMEGALIA GLYCOGENICA DIFFUSA; GLYCOGENOSIS, GENERALIZED, CARDIAC FORM; GSD II; POMPE DISEASE, INFANTILE-ONSET; GLYCOGEN STORAGE DISEASE II, INFANTILE-ONSET. Identifiers: Orphanet 365, MedGen C0017921, MONDO:0009290, OMIM 232300.

Submission:

Genomenon, Inc
Classification: Uncertain significance for Glycogen storage disease, type II. Last evaluated: 2026-07-01. Review status: criteria provided, single submitter. Criteria: Genomenon Sequence Variant Interpretation Standards - Updated. Collection method: curation. Allele origin: germline. Affected: no.
Comment: GAA p.His714Pro (c.2141A>C) is a missense variant that changes the amino acid at codon 714 from Histidine to Proline. This variant has been reported in the published literature (PMID:34530085). It is absent or not present at a significant frequency in gnomAD. In silico models predict that this variant is possibly or probably damaging. In conclusion, we classify GAA p.His714Pro (c.2141A>C) as a variant of uncertain significance.

Literature cited by the submitters: PubMed 34530085.

NM_000152.5(GAA):c.2141A>C (p.His714Pro)

Gene: GAA (alpha glucosidase; plus strand). Cytogenetic location: 17q25.3.
Variant type: single nucleotide variant.
Coding change: c.2141A>C on transcript NM_000152.5 (MANE Select); coding-DNA position 2141, A replaced by C.
Protein change: p.His714Pro; replaces histidine 714 with proline.
Molecular consequence: missense variant.
Genome position (GRCh38, 1-based): chr17:80,113,318, A>C. VCF-style: chr17-80113318-A-C. GRCh37 (hg19) VCF-style: chr17-78087117-A-C.
Other names: c.2141A>C, p.His714Pro (NM_001079803.3, NM_001079804.3, NM_001406741.1 and 1 more transcripts); short protein forms H714P.
Identifiers: ClinVar variation 4876556 (VCV004876556.1).